The following is an entry in ClinVar:

NM_001370259.2(MEN1):c.902T>A (p.Leu301His)

Gene: MEN1 (menin 1; minus strand). Cytogenetic location: 11q13.1.
Variant type: single nucleotide variant.
Coding change: c.902T>A on transcript NM_001370259.2 (MANE Select); coding-DNA position 902, T replaced by A.
Protein change: p.Leu301His; replaces leucine 301 with histidine.
Molecular consequence: missense variant. On other transcripts: non-coding transcript variant (4).
Genome position (GRCh38, 1-based): chr11:64,807,021, A>T on the plus strand (T>A on the coding strand, the complement: MEN1 is on the minus strand). VCF-style: chr11-64807021-A-T. GRCh37 (hg19) VCF-style: chr11-64574493-A-T.
Other names: c.917T>A, p.Leu306His (NM_000244.4, NM_001407145.1, NM_001407150.1 and 5 more transcripts); c.902T>A, p.Leu301His (NM_001370251.2, NM_001370260.2, NM_001370261.2 and 7 more transcripts); c.797T>A, p.Leu266His (NM_001370262.2, NM_001370263.2, NM_001407148.1 and 2 more transcripts); short protein forms L266H, L301H, L306H.
Identifiers: ClinVar variation 3229113 (VCV003229113.1), dbSNP rs2136127925, ClinGen allele CA381183500.

ClinVar aggregate classification (germline): Uncertain significance (1 of 4 stars; one submission).

Conditions:
Hereditary cancer-predisposing syndrome. Also called: Neoplastic Syndromes, Hereditary; Tumor predisposition; Hereditary neoplastic syndrome; Hereditary Cancer Syndrome. Identifiers: Orphanet 140162, MedGen C0027672, MeSH D009386, MONDO:0015356.

Submission:

Ambry Genetics
Classification: Uncertain significance for Hereditary cancer-predisposing syndrome. Last evaluated: 2023-12-13. Review status: criteria provided, single submitter. Criteria: Ambry Variant Classification Scheme 2023. Collection method: clinical testing. Allele origin: germline.
Comment: The p.L301H variant (also known as c.902T>A), located in coding exon 5 of the MEN1 gene, results from a T to A substitution at nucleotide position 902. The leucine at codon 301 is replaced by histidine, an amino acid with similar properties. This amino acid position is conserved. In addition, this alteration is predicted to be deleterious by in silico analysis. Since supporting evidence is limited at this time, the clinical significance of this alteration remains unclear.